The following is an entry in ClinVar:

NM_000277.3(PAH):c.1198del (p.Arg400fs)

Gene: PAH (phenylalanine hydroxylase; minus strand). Cytogenetic location: 12q23.2.
Variant type: Deletion.
Coding change: c.1198del on transcript NM_000277.3 (MANE Select); coding-DNA position 1198, one base deleted (A; older notation c.1198delA).
Protein change: p.Arg400fs; shifts the reading frame from arginine 400.
Molecular consequence: frameshift variant.
Genome position (GRCh38, 1-based): chr12:102,843,647, T deleted on the plus strand (A on the coding strand, the reverse complement: PAH is on the minus strand); the first of 2 consecutive T bases (chr12:102,843,647-102,843,648); deleting either gives the same sequence. VCF-style (leftmost placement, unchanged base first): chr12-102843646-CT-C. GRCh37 (hg19) VCF-style: chr12-103237424-CT-C.
Other names: c.1198del, p.Arg400fs (NM_001354304.2); c.1198del (NM_000277.1); c.1198delA (NM_000277.2); short protein forms R400fs.
Identifiers: ClinVar variation 102554 (VCV000102554.16), dbSNP rs199475590, ClinGen allele CA229383.
Genomic context (GRCh38, chr12:102,843,646, plus strand): 5'-ATGAGTGGCACCAGTCAGGAGGCCCCCAGAGCTAGTGGCTCACCTTTGTCACCACCTCAC[CT>C]TACTTTCTCCTTGGCATCATTAAAACTCTCTGCCACGTAATAGAGGGGCTGGAACTCCGT-3'

ClinVar aggregate classification (germline): Pathogenic. Review status: reviewed by expert panel (3 of 4 stars). 7 submissions from 7 submitters: Pathogenic (1). 6 of the submissions do not count toward it. Last evaluated 2021-05-29.

Conditions:
Phenylketonuria (PKU). Also called: Phenylketonuria (PKU); FOLLING DISEASE; OLIGOPHRENIA PHENYLPYRUVICA; Phenylketonurias. Identifiers: Orphanet 716, MedGen C0031485, MONDO:0009861, OMIM 261600. Disease mechanism: loss of function.

Submissions (7):

ClinGen PAH Variant Curation Expert Panel
Classification: Pathogenic for Phenylketonuria. Last evaluated: 2021-05-29. Review status: reviewed by expert panel. Criteria: ClinGen PAH ACMG Specifications v1. Collection method: curation. Allele origin: germline. Inheritance: Autosomal recessive inheritance.
Comment: BH4 deficiency not excluded (PMID: 8659548; PP4). This variant was detected with c.168+1G>A and I65T, both reported as pathogenic in ClinVar and confirmed in trans (2.0points; PM3_Strong). This frameshift variant is not predicted to undergo NMD, located in intron 11-12 out of 13 total exons (11 out of total exons) (PVS1_Strong), and this variant is absent from population databases (PM2). In summary, this variant meets criteria to be classified as pathogenic for PAH. PAH-specific ACMG/AMP criteria applied: PVS1_Strong, PM2, PP4, PM3_Strong.

GeneDx
Classification: Pathogenic. Last evaluated: 2024-12-27. Review status: criteria provided, single submitter. Criteria: GeneDx Variant Classification Process June 2021. Collection method: clinical testing. Allele origin: germline. Affected: yes. Not counted in ClinVar's aggregate classification.
Comment: Frameshift variant predicted to result in abnormal protein length as the last 53 amino acid(s) are replaced with 51 different amino acid(s), and other similar variants have been reported in HGMD; Not observed at significant frequency in large population cohorts (gnomAD); This variant is associated with the following publications: (PMID: 8659548, 10429004, 32668217, 8807331, 7726156, 24939588)

Natera, Inc.
Classification: Pathogenic for Phenylketonuria. Last evaluated: 2024-12-02. Review status: criteria provided, single submitter. Criteria: Natera Variant Classification Schema (03/2026). Collection method: clinical testing. Allele origin: germline. Not counted in ClinVar's aggregate classification.
Comment: The c.1198delA variant in PAH is a frameshift variant predicted to shift the reading frame beginning at codon 400 and leads to a stop codon 52 codons downstream. This variant is expected to result in nonsense mediated decay, truncation, or a dysfunctional protein product. This variant is rare in the general population with a frequency below the threshold expected for the associated phenotype(s). This variant has been observed in one or more individuals affected with the associated recessive disease, as either homozygous or compound heterozygous with a second variant (PMID: 7726156). Given the available evidence, this variant is classified as Pathogenic.

Labcorp Genetics (formerly Invitae), Labcorp
Classification: Pathogenic for Phenylketonuria. Last evaluated: 2024-01-25. Review status: criteria provided, single submitter. Criteria: Invitae Variant Classification Sherloc (09022015). Collection method: clinical testing. Allele origin: germline. Not counted in ClinVar's aggregate classification.
Comment: This sequence change creates a premature translational stop signal (p.Arg400Glyfs*52) in the PAH gene. While this is not anticipated to result in nonsense mediated decay, it is expected to disrupt the last 53 amino acid(s) of the PAH protein. This variant is present in population databases (rs199475590, gnomAD 0.0009%). This premature translational stop signal has been observed in individual(s) with phenylketonuria (PMID: 7726156). In at least one individual the data is consistent with being in trans (on the opposite chromosome) from a pathogenic variant. This variant is also known as 1197/1198delA, R400fsdelA. ClinVar contains an entry for this variant (Variation ID: 102554). Experimental studies and prediction algorithms are not available or were not evaluated, and the functional significance of this variant is currently unknown. Algorithms developed to predict the effect of sequence changes on RNA splicing suggest that this variant may disrupt the consensus splice site. This variant disrupts the p.Arg408 amino acid residue in PAH. Other variant(s) that disrupt this residue have been determined to be pathogenic (PMID: 1312992, 2014036, 10471838, 12173030, 24401910, 29317692). This suggests that this residue is clinically significant, and that variants that disrupt this residue are likely to be disease-causing. For these reasons, this variant has been classified as Pathogenic.

Women's Health and Genetics/Laboratory Corporation of America, LabCorp
Classification: Pathogenic for Phenylketonuria. Last evaluated: 2019-07-22. Review status: criteria provided, single submitter. Criteria: LabCorp Variant Classification Summary - May 2015. Collection method: clinical testing. Allele origin: germline. Not counted in ClinVar's aggregate classification.
Comment: Variant summary: PAH c.1198delA (p.Arg400GlyfsX52) results in a premature termination codon, predicted to cause a truncation of the encoded protein or absence of the protein due to nonsense mediated decay, which are commonly known mechanisms for disease. The variant allele was found at a frequency of 4e-06 in 251264 control chromosomes (gnomAD). The variant, c.1198delA, has been reported in the literature in individuals affected with Phenylalanine Hydroxylase Deficiency (Phenylketonuria) (Eiken_1996, Guldberg_1996, Ramus_1995). These data indicate that the variant is likely to be associated with disease. To our knowledge, no experimental evidence demonstrating an impact on protein function has been reported. One ClinVar submission (evaluation after 2014) classified the variant as pathogenic. Based on the evidence outlined above, the variant was classified as pathogenic

Counsyl
Classification: Pathogenic for Phenylketonuria. Last evaluated: 2018-01-09. Review status: no assertion criteria provided. Collection method: clinical testing. Allele origin: unknown. Not counted in ClinVar's aggregate classification.

DeBelle Laboratory for Biochemical Genetics, MUHC/MCH RESEARCH INSTITUTE
No classification provided. Review status: no classification provided. Collection method: not provided. Allele origin: not provided. Not counted in ClinVar's aggregate classification.

Literature cited by the submitters: PubMed 7726156 (cited by 4 submitters); PubMed 1312992 (cited by Labcorp Genetics (formerly Invitae), Labcorp); PubMed 2014036 (cited by Labcorp Genetics (formerly Invitae), Labcorp); PubMed 10471838 (cited by Labcorp Genetics (formerly Invitae), Labcorp); PubMed 12173030 (cited by Labcorp Genetics (formerly Invitae), Labcorp); PubMed 24401910 (cited by Labcorp Genetics (formerly Invitae), Labcorp); PubMed 29317692 (cited by Labcorp Genetics (formerly Invitae), Labcorp); PubMed 8659548 (cited by Women's Health and Genetics/Laboratory Corporation of America, LabCorp and Counsyl); PubMed 24939588 (cited by Women's Health and Genetics/Laboratory Corporation of America, LabCorp); PubMed 10429004 (cited by Women's Health and Genetics/Laboratory Corporation of America, LabCorp); PubMed 8807331 (cited by Women's Health and Genetics/Laboratory Corporation of America, LabCorp).